The following is an entry in ClinVar:

NM_032447.5(FBN3):c.3140C>G (p.Thr1047Arg)

Gene: FBN3 (fibrillin 3; minus strand). Cytogenetic location: 19p13.2.
Variant type: single nucleotide variant.
Coding change: c.3140C>G on transcript NM_032447.5 (MANE Select); coding-DNA position 3140, C replaced by G.
Protein change: p.Thr1047Arg; replaces threonine 1047 with arginine.
Molecular consequence: missense variant.
Genome position (GRCh38, 1-based): chr19:8,121,329, G>C on the plus strand (C>G on the coding strand, the complement: FBN3 is on the minus strand). VCF-style: chr19-8121329-G-C. GRCh37 (hg19) VCF-style: chr19-8186213-G-C.
Other names: c.3140C>G, p.Thr1047Arg (NM_001321431.2); short protein forms T1047R.
Identifiers: ClinVar variation 3604693 (VCV003604693.2).

ClinVar aggregate classification (germline): Uncertain significance (1 of 4 stars; one submission).

gnomAD v4.1: 4 of 1,613,526 alleles (0.00025%); highest among the groups gnomAD compares: Admixed American, 0.0067%; no homozygotes.

Submission:

Labcorp Genetics (formerly Invitae), Labcorp
Classification: Uncertain significance. Last evaluated: 2025-06-23. Review status: criteria provided, single submitter. Criteria: Invitae Variant Classification Sherloc (09022015). Collection method: clinical testing. Allele origin: germline.
Comment: This sequence change replaces threonine, which is neutral and polar, with arginine, which is basic and polar, at codon 1047 of the FBN3 protein (p.Thr1047Arg). This variant is present in population databases (no rsID available, gnomAD 0.009%). This variant has not been reported in the literature in individuals affected with FBN3-related conditions. ClinVar contains an entry for this variant (Variation ID: 3604693). Invitae Evidence Modeling of protein sequence and biophysical properties (such as structural, functional, and spatial information, amino acid conservation, physicochemical variation, residue mobility, and thermodynamic stability) indicates that this missense variant is not expected to disrupt FBN3 protein function with a negative predictive value of 80%. In summary, the available evidence is currently insufficient to determine the role of this variant in disease. Therefore, it has been classified as a Variant of Uncertain Significance.